The following is an entry in ClinVar:

NM_000548.5(TSC2):c.2532G>A (p.Leu844=)

Gene: TSC2 (TSC complex subunit 2; plus strand). Cytogenetic location: 16p13.3.
Variant type: single nucleotide variant.
Coding change: c.2532G>A on transcript NM_000548.5 (MANE Select); coding-DNA position 2532, G replaced by A.
Protein change: p.Leu844=; no amino-acid change (leucine 844 retained).
Molecular consequence: synonymous variant. On other transcripts: non-coding transcript variant (5).
Genome position (GRCh38, 1-based): chr16:2,074,376, G>A. VCF-style: chr16-2074376-G-A. GRCh37 (hg19) VCF-style: chr16-2124377-G-A.
Other names: c.2532G>A, p.Leu844= (NM_001077183.3, NM_001114382.3, NM_001363528.2 and 6 more transcripts); c.2421G>A, p.Leu807= (NM_001318827.2, NM_001406670.1, NM_001406678.1); c.2385G>A, p.Leu795= (NM_001318829.2, NM_001406675.1, NM_001406676.1 and 1 more transcripts); c.1932G>A, p.Leu644= (NM_001318831.2, NM_001406680.1, NM_001406682.1 and 6 more transcripts); c.2565G>A, p.Leu855= (NM_001318832.2); c.2622G>A, p.Leu874= (NM_001406667.1, NM_001406668.1); c.2520G>A, p.Leu840= (NM_001406671.1, NM_001406673.1); c.2475G>A, p.Leu825= (NM_001406677.1); and 3 more.
Identifiers: ClinVar variation 1694778 (VCV001694778.34), dbSNP rs2151356150, ClinGen allele CA492953265.
Genomic context (GRCh38, chr16:2,074,376, plus strand): 5'-TGTTCTGGTGGTGAAGCTCACGCACATCTCAGCCACAGCCAGCATGGCCGTCCCACTGCT[G>A]GAGTTCCTGTCCAGTGAGTCCCCGCCCTGCCTGCGCATGCACCCGAGAGGTTCGGGCTGT-3'
Protein context (NP_000539.2, residues 834-854): SATASMAVPL[Leu844=]EFLSTLARLP

ClinVar aggregate classification (germline): Conflicting classifications of pathogenicity. Review status: criteria provided, conflicting classifications (1 of 4 stars). 3 submissions from 3 submitters: Uncertain significance (1); Likely benign (2). Last evaluated 2024-04-08.

Conditions:
Tuberous sclerosis 2 (TSC2). Identifiers: Orphanet 805, MedGen C1860707, MONDO:0013199, OMIM 613254.
Isolated focal cortical dysplasia type II (FCORD2). Also called: Focal cortical dysplasia type II; CORTICAL DYSPLASIA OF TAYLOR. Identifiers: Orphanet 268994, MedGen C1846385, MONDO:0011818, OMIM 607341, HP:0032051.
Lymphangiomyomatosis (LAM). Also called: Lymphangioleiomyomatosis; Lymphangioleiomyomatosis, somatic. Identifiers: Orphanet 538, MedGen C0751674, MONDO:0011705, OMIM 606690.

Submissions (3):

Labcorp Genetics (formerly Invitae), Labcorp
Classification: Likely benign for Tuberous sclerosis 2. Last evaluated: 2024-04-08. Review status: criteria provided, single submitter. Criteria: Invitae Variant Classification Sherloc (09022015). Collection method: clinical testing. Allele origin: germline.

Department of Pathology and Laboratory Medicine, Sinai Health System
Classification: Uncertain significance for Lymphangiomyomatosis; Isolated focal cortical dysplasia type II; Tuberous sclerosis 2. Last evaluated: 2024-02-12. Review status: criteria provided, single submitter. Criteria: ACMG Guidelines, 2015. Collection method: clinical testing. Allele origin: germline. Affected: yes.

CeGaT Center for Human Genetics Tuebingen
Classification: Likely benign. Last evaluated: 2022-06-01. Review status: criteria provided, single submitter. Criteria: CeGaT Center For Human Genetics Tuebingen Variant Classification Criteria Version 2. Collection method: clinical testing. Allele origin: germline. Affected: yes. Observed: 1 variant allele.
Comment: TSC2: PM2:Supporting, BP4, BP7